The following is an entry in ClinVar:

NM_001166108.2(PALLD):c.1928C>G (p.Thr643Ser)

Gene: PALLD (palladin, cytoskeletal associated protein; plus strand). Cytogenetic location: 4q32.3.
Variant type: single nucleotide variant.
Coding change: c.1928C>G on transcript NM_001166108.2 (MANE Select); coding-DNA position 1928, C replaced by G.
Protein change: p.Thr643Ser; replaces threonine 643 with serine.
Molecular consequence: missense variant.
Genome position (GRCh38, 1-based): chr4:168,711,887, C>G. VCF-style: chr4-168711887-C-G. GRCh37 (hg19) VCF-style: chr4-169633038-C-G.
Other names: c.782C>G, p.Thr261Ser (NM_001166109.2); c.1928C>G, p.Thr643Ser (NM_016081.4); short protein forms T643S, T261S.
Identifiers: ClinVar variation 1782799 (VCV001782799.2), dbSNP rs776010438, ClinGen allele CA3135744.

ClinVar aggregate classification (germline): Uncertain significance (1 of 4 stars; one submission).

Allele frequency attached by ClinVar (database versions not stated): TOPMed 0.00001; gnomAD 0.00002.
gnomAD v4.1: 10 of 1,614,002 alleles (0.00062%); highest among the groups gnomAD compares: Non-Finnish European, 0.00085%; no homozygotes.

Submission:

Ambry Genetics
Classification: Uncertain significance. Last evaluated: 2023-09-15. Review status: criteria provided, single submitter. Criteria: Ambry Variant Classification Scheme 2023. Collection method: clinical testing. Allele origin: germline.
Comment: The p.T643S variant (also known as c.1928C>G), located in coding exon 9 of the PALLD gene, results from a C to G substitution at nucleotide position 1928. The threonine at codon 643 is replaced by serine, an amino acid with similar properties. This amino acid position is conserved. In addition, this alteration is predicted to be tolerated by in silico analysis. Since supporting evidence is limited at this time, the clinical significance of this alteration remains unclear.